The following is an entry in ClinVar:

ClinVar aggregate classification (germline): Uncertain significance (1 of 4 stars; one submission).

Allele frequency attached by ClinVar (database versions not stated): ESP Exome Variant Server 0.00008.
gnomAD v4.1: 6 of 1,521,434 alleles (0.00039%); highest among the groups gnomAD compares: Admixed American, 0.0017%; no homozygotes.

Submission:

GeneDx
Classification: Uncertain significance. Last evaluated: 2019-07-09. Review status: criteria provided, single submitter. Criteria: GeneDx Variant Classification Process June 2021. Collection method: clinical testing. Allele origin: germline. Affected: yes.
Comment: Has not been previously published as pathogenic or benign to our knowledge; In-silico analysis, which includes splice predictors and evolutionary conservation, is inconclusive as to whether the variant alters gene splicing. In the absence of RNA/functional studies, the actual effect of this sequence change is unknown.; Not observed at a significant frequency in large population cohorts (Lek et al., 2016)

NM_001853.4(COL9A3):c.424-11C>G

Gene: COL9A3 (collagen type IX alpha 3 chain; plus strand). Cytogenetic location: 20q13.33.
Variant type: single nucleotide variant.
Coding change: c.424-11C>G on transcript NM_001853.4 (MANE Select); 11 bases into the intron before coding-DNA position 424, C replaced by G.
Molecular consequence: intron variant.
Genome position (GRCh38, 1-based): chr20:62,822,100, C>G. VCF-style: chr20-62822100-C-G. GRCh37 (hg19) VCF-style: chr20-61453452-C-G.
Identifiers: ClinVar variation 1302570 (VCV001302570.2), dbSNP rs201781331, ClinGen allele CA9949265.